The following is an entry in ClinVar:

ClinVar aggregate classification (germline): Uncertain significance. Review status: criteria provided, multiple submitters, no conflicts (2 of 4 stars). 4 submissions from 4 submitters: Uncertain significance (3). 1 of the submissions does not count toward it. Last evaluated 2025-06-26.

Conditions:
WFS1-related disorder. Identifiers: MedGen CN379391, MONDO:0700293.
Cataract 41 (CTRCT41). Also called: CATARACT 41, CONGENITAL NUCLEAR TYPE. Identifiers: Orphanet 91492, Orphanet 98991, Orphanet 98992, Orphanet 98995, MedGen C3805412, MONDO:0007287, OMIM 116400.
Wolfram syndrome 1 (WFS1). Identifiers: Orphanet 3463, MedGen C4551693, MONDO:0009101, OMIM 222300.
Autosomal dominant nonsyndromic hearing loss 6 (LFSNHL). Also called: DEAFNESS, AUTOSOMAL DOMINANT 6; DEAFNESS, AUTOSOMAL DOMINANT 14; DEAFNESS, AUTOSOMAL DOMINANT 38; Autosomal dominant nonsyndromic deafness 6. Identifiers: Orphanet 90635, MedGen C1833021, MONDO:0010963, OMIM 600965.
Wolfram-like syndrome. Also called: HEARING LOSS, PROGRESSIVE, WITH OPTIC ATROPHY AND/OR IMPAIRED GLUCOSE REGULATION. Identifiers: Orphanet 411590, MedGen C3280358, MONDO:0013673, OMIM 614296.
Type 2 diabetes mellitus. Also called: Type II diabetes mellitus. Identifiers: MedGen C0011860, MeSH D003924, MONDO:0005148, OMIM 125853, HP:0005978.

Allele frequency attached by ClinVar (database versions not stated): ExAC 0.00001; gnomAD exomes 0.00002.
gnomAD v4.1: 23 of 1,613,086 alleles (0.0014%); highest among the groups gnomAD compares: African/African-American, 0.0053%; no homozygotes.

Submissions (4):

GeneDx
Classification: Uncertain significance. Last evaluated: 2025-06-26. Review status: criteria provided, single submitter. Criteria: GeneDx Variant Classification Process June 2021. Collection method: clinical testing. Allele origin: germline. Affected: yes.
Comment: In silico analysis suggests that this missense variant does not alter protein structure/function; Has not been previously published as pathogenic or benign to our knowledge

Fulgent Genetics
Classification: Uncertain significance for Cataract 41; Type 2 diabetes mellitus; Wolfram syndrome 1; Autosomal dominant nonsyndromic hearing loss 6; Wolfram-like syndrome. Last evaluated: 2024-05-28. Review status: criteria provided, single submitter. Criteria: ACMG Guidelines, 2015. Collection method: clinical testing. Allele origin: germline.

Labcorp Genetics (formerly Invitae), Labcorp
Classification: Uncertain significance. Last evaluated: 2024-02-24. Review status: criteria provided, single submitter. Criteria: Invitae Variant Classification Sherloc (09022015). Collection method: clinical testing. Allele origin: germline.
Comment: This sequence change replaces glutamic acid, which is acidic and polar, with aspartic acid, which is acidic and polar, at codon 269 of the WFS1 protein (p.Glu269Asp). This variant is present in population databases (rs773140080, gnomAD 0.007%). This variant has not been reported in the literature in individuals affected with WFS1-related conditions. ClinVar contains an entry for this variant (Variation ID: 1428046). Advanced modeling of protein sequence and biophysical properties (such as structural, functional, and spatial information, amino acid conservation, physicochemical variation, residue mobility, and thermodynamic stability) performed at Invitae indicates that this missense variant is not expected to disrupt WFS1 protein function with a negative predictive value of 95%. In summary, the available evidence is currently insufficient to determine the role of this variant in disease. Therefore, it has been classified as a Variant of Uncertain Significance.

PreventionGenetics, part of Exact Sciences
Classification: Uncertain significance for WFS1-related condition. Last evaluated: 2024-03-08. Review status: no assertion criteria provided. Collection method: clinical testing. Allele origin: germline. Not counted in ClinVar's aggregate classification.
Comment: The WFS1 c.807A>T variant is predicted to result in the amino acid substitution p.Glu269Asp. To our knowledge, this variant has not been reported in the literature. This variant is reported in 0.0062% of alleles in individuals of African descent in gnomAD. At this time, the clinical significance of this variant is uncertain due to the absence of conclusive functional and genetic evidence.

NM_006005.3(WFS1):c.807A>T (p.Glu269Asp)

Gene: WFS1 (wolframin ER transmembrane glycoprotein; plus strand). Cytogenetic location: 4p16.1.
Variant type: single nucleotide variant.
Coding change: c.807A>T on transcript NM_006005.3 (MANE Select); coding-DNA position 807, A replaced by T.
Protein change: p.Glu269Asp; replaces glutamic acid 269 with aspartic acid.
Molecular consequence: missense variant.
Genome position (GRCh38, 1-based): chr4:6,295,135, A>T. VCF-style: chr4-6295135-A-T. GRCh37 (hg19) VCF-style: chr4-6296862-A-T.
Other names: c.807A>T, p.Glu269Asp (NM_001145853.1); short protein forms E269D.
Identifiers: ClinVar variation 1428046 (VCV001428046.11), dbSNP rs773140080, ClinGen allele CA2839065.